The following is an entry in ClinVar:

NM_003002.4(SDHD):c.35G>A (p.Gly12Asp)

Genes: SDHD (succinate dehydrogenase complex subunit D; plus strand), LOC126861339 (BRD4-independent group 4 enhancer GRCh37_chr11:111957035-111958234; plus strand). Cytogenetic location: 11q23.1.
Variant type: single nucleotide variant.
Coding change: c.35G>A on transcript NM_003002.4 (MANE Select); coding-DNA position 35, G replaced by A.
Protein change: p.Gly12Asp; replaces glycine 12 with aspartic acid.
Molecular consequence: missense variant. On other transcripts: non-coding transcript variant (1).
Genome position (GRCh38, 1-based): chr11:112,086,942, G>A. VCF-style: chr11-112086942-G-A. GRCh37 (hg19) VCF-style: chr11-111957666-G-A.
Other names: c.35G>A (NM_003002.2); c.35G>A, p.Gly12Asp (NM_001276503.2, NM_001276504.2, NM_001276506.2); short protein forms G12D.
Identifiers: ClinVar variation 465235 (VCV000465235.11), dbSNP rs764384503, ClinGen allele CA071285.

ClinVar aggregate classification (germline): Uncertain significance. Review status: criteria provided, multiple submitters, no conflicts (2 of 4 stars). 4 submissions from 4 submitters: Uncertain significance (3). 1 of the submissions does not count toward it. Last evaluated 2025-04-23.

Conditions:
Hereditary cancer-predisposing syndrome. Also called: Neoplastic Syndromes, Hereditary; Tumor predisposition; Hereditary Cancer Syndrome; Hereditary neoplastic syndrome. Identifiers: Orphanet 140162, MedGen C0027672, MeSH D009386, MONDO:0015356.
SDHD-related disorder. Also called: SDHD-related condition.
Pheochromocytoma. Also called: MAX-Related Hereditary Paraganglioma-Pheochromocytoma Syndrome. Identifiers: Orphanet 29072, MedGen C0031511, MONDO:0008233, OMIM 171300, HP:0002666.
Carney-Stratakis syndrome. Also called: PARAGANGLIOMA AND GASTROINTESTINAL STROMAL TUMOR. Identifiers: Orphanet 97286, MedGen C1847319, MONDO:0011740, OMIM 606864.
Cowden syndrome 3 (CWS3). Identifiers: Orphanet 201, MedGen CN166604, MONDO:0014045.
Paragangliomas with sensorineural hearing loss. Identifiers: MedGen C1868633.
Mitochondrial complex 2 deficiency, nuclear type 3. Also called: MITOCHONDRIAL COMPLEX II DEFICIENCY, NUCLEAR TYPE 3. Identifiers: MedGen C5436934, MONDO:0030937, OMIM 619167.

Allele frequency attached by ClinVar (database versions not stated): gnomAD exomes below 0.00001; TOPMed below 0.00001; ExAC 0.00001; gnomAD 0.00001.
gnomAD v4.1: 1 of 1,614,056 alleles (0.000062%); highest among the groups gnomAD compares: Non-Finnish European, 0.000085%; no homozygotes.

Submissions (4):

Labcorp Genetics (formerly Invitae), Labcorp
Classification: Uncertain significance for Carney-Stratakis syndrome; Paragangliomas with sensorineural hearing loss; Pheochromocytoma; Cowden syndrome 3. Last evaluated: 2025-04-23. Review status: criteria provided, single submitter. Criteria: Invitae Variant Classification Sherloc (09022015). Collection method: clinical testing. Allele origin: germline.
Comment: This sequence change replaces glycine, which is neutral and non-polar, with aspartic acid, which is acidic and polar, at codon 12 of the SDHD protein (p.Gly12Asp). This variant is present in population databases (rs764384503, gnomAD 0.0009%). This variant has not been reported in the literature in individuals affected with SDHD-related conditions. ClinVar contains an entry for this variant (Variation ID: 465235). Invitae Evidence Modeling of protein sequence and biophysical properties (such as structural, functional, and spatial information, amino acid conservation, physicochemical variation, residue mobility, and thermodynamic stability) indicates that this missense variant is not expected to disrupt SDHD protein function with a negative predictive value of 95%. In summary, the available evidence is currently insufficient to determine the role of this variant in disease. Therefore, it has been classified as a Variant of Uncertain Significance.

Ambry Genetics
Classification: Uncertain significance for Hereditary cancer-predisposing syndrome. Last evaluated: 2023-09-20. Review status: criteria provided, single submitter. Criteria: Ambry Variant Classification Scheme 2023. Collection method: clinical testing. Allele origin: germline.
Comment: The p.G12D variant (also known as c.35G>A), located in coding exon 1 of the SDHD gene, results from a G to A substitution at nucleotide position 35. The glycine at codon 12 is replaced by aspartic acid, an amino acid with similar properties. This amino acid position is not well conserved in available vertebrate species. In addition, this alteration is predicted to be deleterious by in silico analysis. Since supporting evidence is limited at this time, the clinical significance of this alteration remains unclear.

Baylor Genetics
Classification: Uncertain significance for Mitochondrial complex 2 deficiency, nuclear type 3. Last evaluated: 2023-09-17. Review status: criteria provided, single submitter. Criteria: ACMG Guidelines, 2015. Collection method: clinical testing. Allele origin: unknown.

PreventionGenetics, part of Exact Sciences
Classification: Uncertain significance for SDHD-related condition. Last evaluated: 2023-12-20. Review status: no assertion criteria provided. Collection method: clinical testing. Allele origin: germline. Not counted in ClinVar's aggregate classification.
Comment: The SDHD c.35G>A variant is predicted to result in the amino acid substitution p.Gly12Asp. To our knowledge, this variant has not been reported in the literature. This variant is reported in 0.00088% of alleles in individuals of European (Non-Finnish) descent in gnomAD. In ClinVar, this variant is interpreted as uncertain. At this time, the clinical significance of this variant is uncertain due to the absence of conclusive functional and genetic evidence.